The following is an entry in ClinVar:

NM_001267550.2(TTN):c.94436A>G (p.Tyr31479Cys)

Genes: TTN-AS1 (TTN antisense RNA 1; plus strand), TTN (titin; minus strand). Cytogenetic location: 2q31.2.
Variant type: single nucleotide variant.
Coding change: c.94436A>G on transcript NM_001267550.2 (MANE Select); coding-DNA position 94436, A replaced by G.
Protein change: p.Tyr31479Cys; replaces tyrosine 31479 with cysteine.
Molecular consequence: missense variant.
Genome position (GRCh38, 1-based): chr2:178,547,089, T>C on the plus strand (A>G on the coding strand, the complement: TTN is on the minus strand). VCF-style: chr2-178547089-T-C. GRCh37 (hg19) VCF-style: chr2-179411816-T-C.
Other names: c.89513A>G, p.Tyr29838Cys (NM_001256850.1); c.67241A>G, p.Tyr22414Cys (NM_003319.4); c.86732A>G, p.Tyr28911Cys (NM_133378.4); c.67616A>G, p.Tyr22539Cys (NM_133432.3); c.67817A>G, p.Tyr22606Cys (NM_133437.4); short protein forms Y31479C, Y22539C, Y22606C, Y28911C, Y22414C, Y29838C.
Identifiers: ClinVar variation 467663 (VCV000467663.7), dbSNP rs879013044, ClinGen allele CA60972728.

ClinVar aggregate classification (germline): Uncertain significance. Review status: criteria provided, multiple submitters, no conflicts (2 of 4 stars). 2 submissions from 2 submitters: Uncertain significance (2). Last evaluated 2020-01-16.

Conditions:
Autosomal recessive limb-girdle muscular dystrophy type 2J (LGMDR10). Also called: Limb-girdle muscular dystrophy, type 2J; MUSCULAR DYSTROPHY, LIMB-GIRDLE, AUTOSOMAL RECESSIVE 10. Identifiers: Orphanet 140922, MedGen C1837342, MONDO:0012127, OMIM 608807.
Dilated cardiomyopathy 1G (CMD1G). Identifiers: Orphanet 154, MedGen C1858763, MONDO:0011400, OMIM 604145.
Cardiovascular phenotype. Identifiers: MedGen CN230736.

Allele frequency attached by ClinVar (database versions not stated): TOPMed 0.00002.

Submissions (2):

Ambry Genetics
Classification: Uncertain significance for Cardiovascular phenotype. Last evaluated: 2020-01-16. Review status: criteria provided, single submitter. Criteria: Ambry Variant Classification Scheme 2023. Collection method: clinical testing. Allele origin: germline.
Comment: The p.Y22414C variant (also known as c.67241A>G), located in coding exon 167 of the TTN gene, results from an A to G substitution at nucleotide position 67241. The tyrosine at codon 22414 is replaced by cysteine, an amino acid with highly dissimilar properties. This amino acid position is highly conserved in available vertebrate species. In addition, this alteration is predicted to be deleterious by in silico analysis. Since supporting evidence is limited at this time, the clinical significance of this alteration remains unclear.

Labcorp Genetics (formerly Invitae), Labcorp
Classification: Uncertain significance for Dilated cardiomyopathy 1G; Autosomal recessive limb-girdle muscular dystrophy type 2J. Last evaluated: 2017-07-10. Review status: criteria provided, single submitter. Criteria: Invitae Variant Classification Sherloc (09022015). Collection method: clinical testing. Allele origin: germline.
Comment: This variant identified in the TTN gene is located in the A band of the resulting protein (PMID: 25589632). It is unclear how this variant impacts the function of this protein. Algorithms developed to predict the effect of missense changes on protein structure and function are unavailable for the TTN gene. In summary, the available evidence is currently insufficient to determine the role of this variant in disease. Therefore, it has been classified as a Variant of Uncertain Significance. Algorithms developed to predict the effect of sequence changes on RNA splicing suggest that this variant may create or strengthen a splice site, but this prediction has not been confirmed by published transcriptional studies. This variant has not been reported in the literature in individuals with TTN-related disease. This variant is not present in population databases (ExAC no frequency). This sequence change replaces tyrosine with cysteine at codon 31479 of the TTN protein (p.Tyr31479Cys). There is a large physicochemical difference between tyrosine and cysteine.

Literature cited by the submitters: PubMed 25589632 (cited by Labcorp Genetics (formerly Invitae), Labcorp).